The following is an entry in ClinVar:

NM_001375567.1(FOCAD):c.4045G>A (p.Ala1349Thr)

Gene: FOCAD (focadhesin; plus strand). Cytogenetic location: 9p21.3.
Variant type: single nucleotide variant.
Coding change: c.4045G>A on transcript NM_001375567.1 (MANE Select); coding-DNA position 4045, G replaced by A.
Protein change: p.Ala1349Thr; replaces alanine 1349 with threonine.
Molecular consequence: missense variant.
Genome position (GRCh38, 1-based): chr9:20,951,092, G>A. VCF-style: chr9-20951092-G-A. GRCh37 (hg19) VCF-style: chr9-20951091-G-A.
Other names: c.3940G>A, p.Ala1314Thr (NM_001375568.1, NM_001375570.1); c.4045G>A, p.Ala1349Thr (NM_017794.5); short protein forms A1314T, A1349T.
Identifiers: ClinVar variation 3672478 (VCV003672478.2).

ClinVar aggregate classification (germline): Uncertain significance (1 of 4 stars; one submission).

gnomAD v4.1: 55 of 1,611,574 alleles (0.0034%); highest among the groups gnomAD compares: Admixed American, 0.09%; no homozygotes.

Submission:

Labcorp Genetics (formerly Invitae), Labcorp
Classification: Uncertain significance. Last evaluated: 2025-01-06. Review status: criteria provided, single submitter. Criteria: Invitae Variant Classification Sherloc (09022015). Collection method: clinical testing. Allele origin: germline.
Comment: This sequence change replaces alanine, which is neutral and non-polar, with threonine, which is neutral and polar, at codon 1349 of the FOCAD protein (p.Ala1349Thr). This variant is present in population databases (rs766707231, gnomAD 0.1%), and has an allele count higher than expected for a pathogenic variant. This variant has not been reported in the literature in individuals affected with FOCAD-related conditions. Experimental studies and prediction algorithms are not available or were not evaluated, and the functional significance of this variant is currently unknown. In summary, the available evidence is currently insufficient to determine the role of this variant in disease. Therefore, it has been classified as a Variant of Uncertain Significance.